The following is an entry in ClinVar:

NM_022552.5(DNMT3A):c.733C>A (p.Pro245Thr)

Gene: DNMT3A (DNA methyltransferase 3 alpha; minus strand). Cytogenetic location: 2p23.3.
Variant type: single nucleotide variant.
Coding change: c.733C>A on transcript NM_022552.5 (MANE Select); coding-DNA position 733, C replaced by A.
Protein change: p.Pro245Thr; replaces proline 245 with threonine.
Molecular consequence: missense variant. On other transcripts: non-coding transcript variant (1).
Genome position (GRCh38, 1-based): chr2:25,248,159, G>T on the plus strand (C>A on the coding strand, the complement: DNMT3A is on the minus strand). VCF-style: chr2-25248159-G-T. GRCh37 (hg19) VCF-style: chr2-25471028-G-T.
Other names: c.277C>A, p.Pro93Thr (NM_001320893.1); c.64C>A, p.Pro22Thr (NM_001375819.1); c.166C>A, p.Pro56Thr (NM_153759.3); c.733C>A, p.Pro245Thr (NM_175629.2); short protein forms P22T, P93T, P245T, P56T.
Identifiers: ClinVar variation 2832593 (VCV002832593.3), dbSNP rs775861139, ClinGen allele CA346076490.
Genomic context (GRCh38, chr2:25,248,159, plus strand): 5'-CGGGCTCAGGCGTGGTAGCCACAGTGGGGGATGCGGGGTCAGTGGGCTGCTGCACAGCAG[G>T]AGGGCTGGCCTCCTCCACCTTCTGAGACTCCCCGGGCCCCTGGTTTTCTTCCACAGCATT-3'
Protein context (NP_072046.2, residues 235-255): ESQKVEEASP[Pro245Thr]AVQQPTDPAS

ClinVar aggregate classification (germline): Uncertain significance (1 of 4 stars; one submission).

Conditions:
Tatton-Brown-Rahman overgrowth syndrome. Also called: Tall stature-intellectual disability-facial dysmorphism syndrome; Tatton-Brown-Rahman syndrome. Identifiers: Orphanet 404443, MedGen C4014545, MONDO:0014382, OMIM 615879.

Submission:

Labcorp Genetics (formerly Invitae), Labcorp
Classification: Uncertain significance for Tatton-Brown-Rahman overgrowth syndrome. Last evaluated: 2023-01-28. Review status: criteria provided, single submitter. Criteria: Invitae Variant Classification Sherloc (09022015). Collection method: clinical testing. Allele origin: germline.
Comment: This sequence change replaces proline, which is neutral and non-polar, with threonine, which is neutral and polar, at codon 245 of the DNMT3A protein (p.Pro245Thr). This variant is not present in population databases (gnomAD no frequency). This variant has not been reported in the literature in individuals affected with DNMT3A-related conditions. Advanced modeling of protein sequence and biophysical properties (such as structural, functional, and spatial information, amino acid conservation, physicochemical variation, residue mobility, and thermodynamic stability) performed at Invitae indicates that this missense variant is not expected to disrupt DNMT3A protein function. In summary, the available evidence is currently insufficient to determine the role of this variant in disease. Therefore, it has been classified as a Variant of Uncertain Significance.